The following is an entry in ClinVar:

ClinVar aggregate classification (germline): Uncertain significance. Review status: criteria provided, single submitter (1 of 4 stars). 2 submissions from 2 submitters: Uncertain significance (1). 1 of the submissions does not count toward it. Last evaluated 2024-08-10.

Conditions:
Inborn genetic diseases. Identifiers: MedGen C0950123, MeSH D030342.

gnomAD v4.1: 25 of 1,613,554 alleles (0.0015%); highest among the groups gnomAD compares: Non-Finnish European, 0.0021%; no homozygotes.

Submissions (2):

Ambry Genetics
Classification: Uncertain significance for Inborn genetic diseases. Last evaluated: 2024-08-10. Review status: criteria provided, single submitter. Criteria: Ambry Variant Classification Scheme 2023. Collection method: clinical testing. Allele origin: germline.

Department of Pathology and Laboratory Medicine, Sinai Health System
Classification: Uncertain significance. Review status: no assertion criteria provided. Collection method: clinical testing. Allele origin: unknown. Affected: yes. Study: The Canadian Open Genetics Repository (COGR). Not counted in ClinVar's aggregate classification.
Comment: The ADAM10 p.Lys211Arg variant was not identified in the literature nor was it identified in ClinVar. The variant was identified in dbSNP (ID: rs201482030) and in control databases in 2 of 31398 chromosomes at a frequency of 0.0000637 (Genome Aggregation Database March 6, 2019, v2.1.1). The variant was observed in the European (non-Finnish) population in 2 of 15420 chromosomes (freq: 0.00013), but was not observed in the African, Latino, Ashkenazi Jewish, East Asian, European (Finnish), Other, or South Asian populations. The p.Lys211 residue is conserved in mammals but not in more distantly related organisms however four out of five computational analyses (PolyPhen-2, SIFT, AlignGVGD, BLOSUM, MutationTaster) do not suggest a high likelihood of impact to the protein; this information is not predictive enough to rule out pathogenicity. The variant occurs outside of the splicing consensus sequence and in silico or computational prediction software programs (SpliceSiteFinder, MaxEntScan, NNSPLICE, GeneSplicer) do not predict a difference in splicing. In summary, based on the above information the clinical significance of this variant cannot be determined with certainty at this time. This variant is classified as a variant of uncertain significance.

NM_001110.4(ADAM10):c.632A>G (p.Lys211Arg)

Gene: ADAM10 (ADAM metallopeptidase domain 10; minus strand). Cytogenetic location: 15q21.3.
Variant type: single nucleotide variant.
Coding change: c.632A>G on transcript NM_001110.4 (MANE Select); coding-DNA position 632, A replaced by G.
Protein change: p.Lys211Arg; replaces lysine 211 with arginine.
Molecular consequence: missense variant.
Genome position (GRCh38, 1-based): chr15:58,646,158, T>C on the plus strand (A>G on the coding strand, the complement: ADAM10 is on the minus strand). VCF-style: chr15-58646158-T-C. GRCh37 (hg19) VCF-style: chr15-58938357-T-C.
Other names: c.632A>G, p.Lys211Arg (NM_001320570.2); c.632A>G (NM_001110.2); short protein forms K211R.
Identifiers: ClinVar variation 1050437 (VCV001050437.2), dbSNP rs201482030, ClinGen allele CA271716625.